The following is an entry in ClinVar:

ClinVar aggregate classification (germline): Uncertain significance (1 of 4 stars; one submission).

Submission:

Labcorp Genetics (formerly Invitae), Labcorp
Classification: Uncertain significance. Last evaluated: 2023-01-21. Review status: criteria provided, single submitter. Criteria: Invitae Variant Classification Sherloc (09022015). Collection method: clinical testing. Allele origin: germline.
Comment: Advanced modeling of protein sequence and biophysical properties (such as structural, functional, and spatial information, amino acid conservation, physicochemical variation, residue mobility, and thermodynamic stability) performed at Invitae indicates that this missense variant is not expected to disrupt RAI1 protein function. In summary, the available evidence is currently insufficient to determine the role of this variant in disease. Therefore, it has been classified as a Variant of Uncertain Significance. This variant has not been reported in the literature in individuals affected with RAI1-related conditions. This variant is not present in population databases (gnomAD no frequency). This sequence change replaces lysine, which is basic and polar, with glutamic acid, which is acidic and polar, at codon 781 of the RAI1 protein (p.Lys781Glu).

NM_030665.4(RAI1):c.2341A>G (p.Lys781Glu)

Gene: RAI1 (retinoic acid induced 1; plus strand). Cytogenetic location: 17p11.2.
Variant type: single nucleotide variant.
Coding change: c.2341A>G on transcript NM_030665.4 (MANE Select); coding-DNA position 2341, A replaced by G.
Protein change: p.Lys781Glu; replaces lysine 781 with glutamic acid.
Molecular consequence: missense variant.
Genome position (GRCh38, 1-based): chr17:17,795,289, A>G. VCF-style: chr17-17795289-A-G. GRCh37 (hg19) VCF-style: chr17-17698603-A-G.
Other names: short protein forms K781E.
Identifiers: ClinVar variation 2788537 (VCV002788537.3), dbSNP rs2508580886, ClinGen allele CA398550744.